The following is an entry in ClinVar:

ClinVar aggregate classification (germline): Uncertain significance. Review status: criteria provided, multiple submitters, no conflicts (2 of 4 stars). 3 submissions from 3 submitters: Uncertain significance (3). Last evaluated 2025-05-12.

Submissions (3):

GeneDx
Classification: Uncertain significance. Last evaluated: 2025-05-12. Review status: criteria provided, single submitter. Criteria: GeneDx Variant Classification Process June 2021. Collection method: clinical testing. Allele origin: germline. Affected: yes.
Comment: In-frame deletion of 1 amino acid in a non-repeat region; In silico analysis supports a deleterious effect on protein structure/function; Has not been previously published as pathogenic or benign to our knowledge

Mayo Clinic Laboratories, Mayo Clinic
Classification: Uncertain significance. Last evaluated: 2023-11-17. Review status: criteria provided, single submitter. Criteria: ACMG Guidelines, 2015. Collection method: clinical testing. Allele origin: germline. Observed: 1 variant allele.
Comment: PM4

Labcorp Genetics (formerly Invitae), Labcorp
Classification: Uncertain significance. Last evaluated: 2022-07-17. Review status: criteria provided, single submitter. Criteria: Invitae Variant Classification Sherloc (09022015). Collection method: clinical testing. Allele origin: germline.
Comment: This variant, c.454_456del, results in the deletion of 1 amino acid(s) of the MFF protein (p.Arg152del), but otherwise preserves the integrity of the reading frame. This variant is present in population databases (rs531923234, gnomAD 0.2%), and has an allele count higher than expected for a pathogenic variant. This variant has not been reported in the literature in individuals affected with MFF-related conditions. ClinVar contains an entry for this variant (Variation ID: 1344934). Experimental studies and prediction algorithms are not available or were not evaluated, and the functional significance of this variant is currently unknown. In summary, the available evidence is currently insufficient to determine the role of this variant in disease. Therefore, it has been classified as a Variant of Uncertain Significance.

NM_001277062.2(MFF):c.376_378del (p.Arg126del)

Gene: MFF (mitochondrial fission factor; plus strand). Cytogenetic location: 2q36.3.
Variant type: Deletion.
Coding change: c.376_378del on transcript NM_001277062.2 (MANE Select); coding-DNA positions 376 to 378, 3 bases deleted (AGA; older notation c.376_378delAGA).
Protein change: p.Arg126del; deletes arginine 126.
Molecular consequence: inframe deletion. On other transcripts: non-coding transcript variant (1).
Genome position (GRCh38, 1-based): chr2:227,340,316-227,340,318, AGA deleted; deleting any 3 consecutive bases within chr2:227,340,315-227,340,318 gives the same sequence; the c. name uses the placement nearest the transcript's 3' end. VCF-style (leftmost placement, unchanged base first): chr2-227340314-AAAG-A. GRCh37 (hg19) VCF-style: chr2-228205030-AAAG-A.
Other names: p.Arg152del; c.454_456del, p.Arg152del (NM_001277061.2, NM_020194.5); c.376_378del, p.Arg126del (NM_001277063.2, NM_001277064.2, NM_001277065.2 and 2 more transcripts); c.226_228del, p.Arg76del (NM_001277067.1); short protein forms R126del, R76del, R152del.
Identifiers: ClinVar variation 1344934 (VCV001344934.10), dbSNP rs531923234, ClinGen allele CA2147885.